The following is an entry in ClinVar:

ClinVar aggregate classification (germline): Uncertain significance (1 of 4 stars; one submission).

Allele frequency attached by ClinVar (database versions not stated): gnomAD exomes 0.00001; gnomAD 0.00001; TOPMed below 0.00001; ExAC 0.00001.
gnomAD v4.1: 15 of 1,614,042 alleles (0.00093%); highest among the groups gnomAD compares: African/African-American, 0.0013%; no homozygotes.

Submission:

Greenwood Genetic Center Diagnostic Laboratories, Greenwood Genetic Center
Classification: Uncertain significance. Last evaluated: 2021-11-24. Review status: criteria provided, single submitter. Criteria: ACMG Guidelines, 2015. Collection method: clinical testing. Allele origin: germline. Affected: yes.
Comment: PM2

NM_015001.3(SPEN):c.5125G>A (p.Asp1709Asn)

Gene: SPEN (spen family transcriptional repressor; plus strand). Cytogenetic location: 1p36.13.
Variant type: single nucleotide variant.
Coding change: c.5125G>A on transcript NM_015001.3 (MANE Select); coding-DNA position 5125, G replaced by A.
Protein change: p.Asp1709Asn; replaces aspartic acid 1709 with asparagine.
Molecular consequence: missense variant.
Genome position (GRCh38, 1-based): chr1:15,931,365, G>A. VCF-style: chr1-15931365-G-A. GRCh37 (hg19) VCF-style: chr1-16257860-G-A.
Other names: short protein forms D1709N.
Identifiers: ClinVar variation 1334670 (VCV001334670.4), dbSNP rs753992826, ClinGen allele CA619676.